The following is an entry in ClinVar:

NM_000313.4(PROS1):c.1155+5G>A

Gene: PROS1 (protein S; minus strand). Cytogenetic location: 3q11.1.
Variant type: single nucleotide variant.
Coding change: c.1155+5G>A on transcript NM_000313.4 (MANE Select); 5 bases into the intron after coding-DNA position 1155, G replaced by A.
Molecular consequence: intron variant.
Genome position (GRCh38, 1-based): chr3:93,892,928, C>T on the plus strand (G>A on the coding strand, the complement: PROS1 is on the minus strand). VCF-style: chr3-93892928-C-T. GRCh37 (hg19) VCF-style: chr3-93611772-C-T.
Other names: c.1251+5G>A (NM_001314077.2).
Identifiers: ClinVar variation 627212 (VCV000627212.10), dbSNP rs199469494, ClinGen allele CA78482294.

ClinVar aggregate classification (germline): Pathogenic/Likely pathogenic. Review status: criteria provided, multiple submitters, no conflicts (2 of 4 stars). 7 submissions from 7 submitters: Pathogenic (2); Likely pathogenic (3). 2 of the submissions do not count toward it. Last evaluated 2025-12-26.

Conditions:
PROS1-related disorder. Also called: PROS1-related condition.
Protein S deficiency disease. Also called: Protein S deficiency. Identifiers: MedGen C0242666, MeSH D018455, MONDO:0002304.
Thrombophilia due to protein S deficiency, autosomal dominant (THPH5). Identifiers: Orphanet 26349, Orphanet 743, MedGen C3278211, MONDO:0012868, OMIM 612336. Disease mechanism: loss of function.
Thrombophilia due to protein S deficiency, autosomal recessive (THPH6). Identifiers: Orphanet 743, MedGen C3281092, MONDO:0013791, OMIM 614514. Disease mechanism: loss of function.

gnomAD v4.1: 6 of 1,607,982 alleles (0.00037%); highest among the groups gnomAD compares: South Asian, 0.0011%; no homozygotes.

Submissions (7):

Labcorp Genetics (formerly Invitae), Labcorp
Classification: Pathogenic for Thrombophilia due to protein S deficiency, autosomal recessive. Last evaluated: 2025-12-26. Review status: criteria provided, single submitter. Criteria: Invitae Variant Classification Sherloc (09022015). Collection method: clinical testing. Allele origin: germline.
Comment: This sequence change falls in intron 10 of the PROS1 gene. It does not directly change the encoded amino acid sequence of the PROS1 protein. It affects a nucleotide within the consensus splice site. This variant is present in population databases (rs199469494, gnomAD 0.003%). This variant has been observed in individuals with protein S deficiency (PMID: 7579449, 22166512, 22261441, 29748776, 30543986, 30669159). It has also been observed to segregate with disease in related individuals. ClinVar contains an entry for this variant (Variation ID: 627212). Variants that disrupt the consensus splice site are a relatively common cause of aberrant splicing (PMID: 17576681, 9536098). Algorithms developed to predict the effect of sequence changes on RNA splicing suggest that this variant may disrupt the consensus splice site. For these reasons, this variant has been classified as Pathogenic.

Greenwood Genetic Center Diagnostic Laboratories, Greenwood Genetic Center
Classification: Likely pathogenic for PROS1-related disorder. Last evaluated: 2024-04-23. Review status: criteria provided, single submitter. Criteria: ACMG Guidelines, 2015. Collection method: clinical testing. Allele origin: germline. Affected: yes.
Comment: PM2, PS3_Very Strong

GeneDx
Classification: Likely pathogenic. Last evaluated: 2024-03-19. Review status: criteria provided, single submitter. Criteria: GeneDx Variant Classification Process June 2021. Collection method: clinical testing. Allele origin: germline. Affected: yes.
Comment: RNA studies demonstrate a damaging effect: c.1155+5 G>A causes two transcripts, a majority wild type and a leaky minority transcript; the minor transcript is a deletion of the last 32 nucleotides of exon 10 resulting in protein truncation or nonsense mediated decay (PMID: 30543986); In silico analysis supports a deleterious effect on splicing; Not observed at significant frequency in large population cohorts (gnomAD); This variant is associated with the following publications: (PMID: 31064749, 35586607, 7579449, 30669159, 30543986, 35626216)

Blueprint Genetics
Classification: Pathogenic for PROS1-related disorders. Last evaluated: 2023-06-12. Review status: criteria provided, single submitter. Criteria: ACMG Guidelines, 2015. Collection method: clinical testing. Allele origin: germline. Affected: yes. Observed: 3 variant alleles.

NIHR Bioresource Rare Diseases, University of Cambridge
Classification: Likely pathogenic for Reduced protein S activity. Last evaluated: 2019-02-01. Review status: criteria provided, single submitter. Criteria: ACMG Guidelines, 2015. Collection method: research. Allele origin: unknown. Affected: yes. Observed: 1 heterozygote. Study: ThromboGenomics.

Department of Transfusion Medicine and Hemostaseology, University Hospital Erlangen
Classification: Pathogenic for Thrombophilia due to protein S deficiency, autosomal dominant. Last evaluated: 2025-09-01. Review status: no assertion criteria provided. Collection method: clinical testing. Allele origin: germline. Not counted in ClinVar's aggregate classification.
Comment: This variant was identified during a screening of patients with suspected hereditary Protein S deficiency. It has been repeatedly described in the literature as correlating with protein S deficiency (PMID: 8113388, 22166512, 22261441) and has been characterized in vitro as causative for Protein S deficiency (PMID: 9207399). No allele frequency is reported in dbSNP. Several in silico variant effect prediction tools (varSEAK, SpliceAI, CAPICE) classify this variant as likely pathogenic. Taken together, we classified this variant as pathogenic.

PreventionGenetics, part of Exact Sciences
Classification: Likely pathogenic for PROS1-related condition. Last evaluated: 2024-03-21. Review status: no assertion criteria provided. Collection method: clinical testing. Allele origin: germline. Not counted in ClinVar's aggregate classification.
Comment: The PROS1 c.1155+5G>A variant is predicted to interfere with splicing. This variant is predicted to decrease the strength of the canonical splice donor site (SpliceAI, Jaganathan et al. 2019. PubMed ID: 30661751). This variant has been reported in a few cases of protein S deficiency (Mustafa et al. 1995. PubMed ID: 7579449; Li et al. 2019. PubMed ID: 30669159; Table S2, Downes et al. 2019. PubMed ID: 31064749). This variant is reported in 0.0033% of alleles in individuals of South Asian descent in gnomAD. This variant is interpreted as likely pathogenic.

Literature cited by the submitters: PubMed 7579449 (cited by Labcorp Genetics (formerly Invitae), Labcorp); PubMed 22166512 (cited by Labcorp Genetics (formerly Invitae), Labcorp and Department of Transfusion Medicine and Hemostaseology, University Hospital Erlangen); PubMed 22261441 (cited by Labcorp Genetics (formerly Invitae), Labcorp and Department of Transfusion Medicine and Hemostaseology, University Hospital Erlangen); PubMed 29748776 (cited by Labcorp Genetics (formerly Invitae), Labcorp); PubMed 30543986 (cited by Labcorp Genetics (formerly Invitae), Labcorp); PubMed 30669159 (cited by Labcorp Genetics (formerly Invitae), Labcorp); PubMed 17576681 (cited by Labcorp Genetics (formerly Invitae), Labcorp); PubMed 9536098 (cited by Labcorp Genetics (formerly Invitae), Labcorp); PubMed 31064749 (cited by NIHR Bioresource Rare Diseases, University of Cambridge); PubMed 8113388 (cited by Department of Transfusion Medicine and Hemostaseology, University Hospital Erlangen); PubMed 9207399 (cited by Department of Transfusion Medicine and Hemostaseology, University Hospital Erlangen).